The following is an entry in ClinVar:

ClinVar aggregate classification (germline): Likely benign (0 of 4 stars; one submission).

Conditions:
KIF4A-related disorder. Also called: KIF4A-related condition.

Allele frequency attached by ClinVar (database versions not stated): gnomAD 0.00001; gnomAD exomes 0.00001.
gnomAD v4.1: 11 of 1,198,843 alleles (0.00092%); highest among the groups gnomAD compares: Middle Eastern, 0.072%; no homozygotes.

Submission:

PreventionGenetics, part of Exact Sciences
Classification: Likely benign for KIF4A-related condition. Last evaluated: 2019-03-22. Review status: no assertion criteria provided. Collection method: clinical testing. Allele origin: germline.
Comment: This variant is classified as likely benign based on ACMG/AMP sequence variant interpretation guidelines (Richards et al. 2015 PMID: 25741868, with internal and published modifications).

NM_012310.5(KIF4A):c.1489-7T>C

Gene: KIF4A (kinesin family member 4A; plus strand). Cytogenetic location: Xq13.1.
Variant type: single nucleotide variant.
Coding change: c.1489-7T>C on transcript NM_012310.5 (MANE Select); 7 bases into the intron before coding-DNA position 1489, T replaced by C.
Molecular consequence: intron variant.
Genome position (GRCh38, 1-based): chrX:70,353,615, T>C. VCF-style: chrX-70353615-T-C. GRCh37 (hg19) VCF-style: chrX-69573465-T-C.
Identifiers: ClinVar variation 3050968 (VCV003050968.2), dbSNP rs1001516122, ClinGen allele CA330978639.